The following is an entry in ClinVar:

NM_000090.4(COL3A1):c.2446-5T>A

Gene: COL3A1 (collagen type III alpha 1 chain; plus strand). Cytogenetic location: 2q32.2.
Variant type: single nucleotide variant.
Coding change: c.2446-5T>A on transcript NM_000090.4 (MANE Select); 5 bases into the intron before coding-DNA position 2446, T replaced by A.
Molecular consequence: intron variant.
Genome position (GRCh38, 1-based): chr2:189,002,950, T>A. VCF-style: chr2-189002950-T-A. GRCh37 (hg19) VCF-style: chr2-189867676-T-A.
Identifiers: ClinVar variation 1326789 (VCV001326789.3), dbSNP rs1163013218, ClinGen allele CA538448853.

ClinVar aggregate classification (germline): Uncertain significance. Review status: criteria provided, multiple submitters, no conflicts (2 of 4 stars). 2 submissions from 2 submitters: Uncertain significance (2). Last evaluated 2025-12-02.

Conditions:
Ehlers-Danlos syndrome, type 4 (EDSVASC). Also called: Ehlers-Danlos syndrome vascular type; Ehlers Danlos syndrome, ecchymotic type; Ehlers Danlos syndrome, arterial type; Ehlers Danlos syndrome, Sack-Barabas type; Ehlers-Danlos Syndrome Type IV. Identifiers: Orphanet 286, MedGen C0268338, MONDO:0017314, OMIM 130050.

Allele frequency attached by ClinVar (database versions not stated): gnomAD exomes below 0.00001 and 0.00001.
gnomAD v4.1: 1 of 1,547,674 alleles (0.000065%); highest among the groups gnomAD compares: Non-Finnish European, 0.000087%; no homozygotes.

Submissions (2):

Labcorp Genetics (formerly Invitae), Labcorp
Classification: Uncertain significance for Ehlers-Danlos syndrome, type 4. Last evaluated: 2025-12-02. Review status: criteria provided, single submitter. Criteria: Invitae Variant Classification Sherloc (09022015). Collection method: clinical testing. Allele origin: germline.
Comment: This sequence change falls in intron 35 of the COL3A1 gene. It does not directly change the encoded amino acid sequence of the COL3A1 protein. This variant is present in population databases (no rsID available, gnomAD 0.002%). This variant has not been reported in the literature in individuals affected with COL3A1-related conditions. ClinVar contains an entry for this variant (Variation ID: 1326789). Algorithms developed to predict the effect of sequence changes on RNA splicing suggest that this variant may create or strengthen a splice site. In summary, the available evidence is currently insufficient to determine the role of this variant in disease. Therefore, it has been classified as a Variant of Uncertain Significance.

GeneDx
Classification: Uncertain significance. Last evaluated: 2021-11-19. Review status: criteria provided, single submitter. Criteria: GeneDx Variant Classification Process June 2021. Collection method: clinical testing. Allele origin: germline. Affected: yes.
Comment: Has not been previously published as pathogenic or benign to our knowledge; Not observed at significant frequency in large population cohorts (Lek et al., 2016); In silico analysis supports a deleterious effect on splicing